The following is an entry in ClinVar:

ClinVar aggregate classification (germline): Uncertain significance. Review status: criteria provided, multiple submitters, no conflicts (2 of 4 stars). 5 submissions from 5 submitters: Uncertain significance (5). Last evaluated 2026-02-20.

Conditions:
Combined oxidative phosphorylation defect type 27. Also called: Combined oxidative phosphorylation deficiency 27. Identifiers: Orphanet 477774, MedGen C5567608, MONDO:0014728, OMIM 616672.
Inborn genetic diseases. Identifiers: MedGen C0950123, MeSH D030342.

Allele frequency attached by ClinVar (database versions not stated): 1000 Genomes Project 30x 0.00016; ExAC below 0.00001; gnomAD exomes 0.00011 and 0.00010; TOPMed 0.00014.
gnomAD v4.1: 157 of 1,320,178 alleles (0.012%); highest among the groups gnomAD compares: Non-Finnish European, 0.012%; no homozygotes.

Submissions (5):

GeneDx
Classification: Uncertain significance. Last evaluated: 2026-02-20. Review status: criteria provided, single submitter. Criteria: GeneDx Variant Classification Process June 2021. Collection method: clinical testing. Allele origin: germline.
Comment: In silico analysis supports a deleterious effect on splicing; In silico analysis indicates that this missense variant does not alter protein structure/function; Has not been previously published as pathogenic or benign to our knowledge

Labcorp Genetics (formerly Invitae), Labcorp
Classification: Uncertain significance for Combined oxidative phosphorylation defect type 27. Last evaluated: 2024-11-27. Review status: criteria provided, single submitter. Criteria: Invitae Variant Classification Sherloc (09022015). Collection method: clinical testing. Allele origin: germline.
Comment: This sequence change replaces arginine, which is basic and polar, with serine, which is neutral and polar, at codon 3 of the CARS2 protein (p.Arg3Ser). The frequency data for this variant in the population databases is considered unreliable, as metrics indicate poor data quality at this position in the gnomAD database. This variant has not been reported in the literature in individuals affected with CARS2-related conditions. ClinVar contains an entry for this variant (Variation ID: 1030850). An algorithm developed to predict the effect of missense changes on protein structure and function outputs the following: PolyPhen-2: "Not Available". The serine amino acid residue is found in multiple mammalian species, which suggests that this missense change does not adversely affect protein function. Algorithms developed to predict the effect of sequence changes on RNA splicing suggest that this variant may create or strengthen a splice site. In summary, the available evidence is currently insufficient to determine the role of this variant in disease. Therefore, it has been classified as a Variant of Uncertain Significance.

Ambry Genetics
Classification: Uncertain significance for Inborn genetic diseases. Last evaluated: 2022-03-04. Review status: criteria provided, single submitter. Criteria: Ambry Variant Classification Scheme 2023. Collection method: clinical testing. Allele origin: germline.

Baylor Genetics
Classification: Uncertain significance for Combined oxidative phosphorylation defect type 27. Last evaluated: 2019-05-01. Review status: criteria provided, single submitter. Criteria: ACMG Guidelines, 2015. Collection method: clinical testing. Allele origin: unknown. Affected: yes.
Comment: This variant was determined to be of uncertain significance according to ACMG Guidelines, 2015 [PMID:25741868].

Breakthrough Genomics
Classification: Uncertain significance. Review status: criteria provided, single submitter. Criteria: ACMG Guidelines, 2015. Collection method: not provided. Allele origin: germline. Inheritance: Autosomal recessive inheritance. Affected: yes.

NM_024537.4(CARS2):c.9G>T (p.Arg3Ser)

Genes: CARS2 (cysteinyl-tRNA synthetase 2, mitochondrial; minus strand), LOC130010127 (ATAC-STARR-seq lymphoblastoid silent region 5509; plus strand). Cytogenetic location: 13q34.
Variant type: single nucleotide variant.
Coding change: c.9G>T on transcript NM_024537.4 (MANE Select); coding-DNA position 9, G replaced by T.
Protein change: p.Arg3Ser; replaces arginine 3 with serine.
Molecular consequence: missense variant. On other transcripts: non-coding transcript variant (1), intron variant (1).
Genome position (GRCh38, 1-based): chr13:110,706,085, C>A on the plus strand (G>T on the coding strand, the complement: CARS2 is on the minus strand). VCF-style: chr13-110706085-C-A. GRCh37 (hg19) VCF-style: chr13-111358432-C-A.
Other names: c.9G>T, p.Arg3Ser (NM_001352253.3); c.-776+286G>T (NM_001352252.2); c.9G>T (NM_024537.2); short protein forms R3S.
Identifiers: ClinVar variation 1030850 (VCV001030850.9), dbSNP rs766060435, ClinGen allele CA7052408.